The following is an entry in ClinVar:

ClinVar aggregate classification (germline): Pathogenic/Likely pathogenic. Review status: criteria provided, multiple submitters, no conflicts (2 of 4 stars). 5 submissions from 5 submitters: Pathogenic (2); Likely pathogenic (2). 1 of the submissions does not count toward it. Last evaluated 2025-08-01.

Conditions:
OAT-related disorder. Also called: OAT-related condition.
Ornithine aminotransferase deficiency (GACR). Also called: OAT DEFICIENCY; OKT DEFICIENCY; Ornithine ketoacid aminotransferase deficiency; Gyrate atrophy; Gyrate atrophy of choroid and retina; Girate atrophy of the retina. Identifiers: Orphanet 414, MedGen C0018425, MONDO:0009796, OMIM 258870.

Allele frequency attached by ClinVar (database versions not stated): TOPMed 0.00002; ExAC 0.00004; gnomAD exomes 0.00004 and 0.00007; gnomAD 0.00007 and 0.00008.
gnomAD v4.1: 71 of 1,613,892 alleles (0.0044%); highest among the groups gnomAD compares: Non-Finnish European, 0.0027%; no homozygotes.

Submissions (5):

Natera, Inc.
Classification: Likely pathogenic for Gyrate atrophy. Last evaluated: 2025-08-01. Review status: criteria provided, single submitter. Criteria: Natera Variant Classification Schema (03/2026). Collection method: clinical testing. Allele origin: germline.
Comment: The c.539G>C variant in OAT is a missense variant predicted to cause substitution of arginine to threonine at amino acid 180. This variant is rare in the general population with a frequency below the threshold expected for the associated phenotype(s). This variant has been observed in one or more individuals affected with the associated recessive disease, as either homozygous or compound heterozygous with a second variant (PMID: 2492100, 1609808, 9727717, 38847892). Functional studies show that this variant may disrupt protein function (PMID: 1737786). Computational prediction algorithms indicate this variant is likely to affect gene or protein function. Given the available evidence, this variant is classified as Likely Pathogenic.

Blueprint Genetics
Classification: Pathogenic for OAT-related disorders. Last evaluated: 2024-04-25. Review status: criteria provided, single submitter. Criteria: ACMG Guidelines, 2015. Collection method: clinical testing. Allele origin: germline. Affected: yes. Observed: 5 variant alleles.

Labcorp Genetics (formerly Invitae), Labcorp
Classification: Pathogenic for Ornithine aminotransferase deficiency. Last evaluated: 2023-09-04. Review status: criteria provided, single submitter. Criteria: Invitae Variant Classification Sherloc (09022015). Collection method: clinical testing. Allele origin: germline.
Comment: This variant is present in population databases (rs121965040, gnomAD 0.07%). For these reasons, this variant has been classified as Pathogenic. Experimental studies have shown that this missense change affects OAT function (PMID: 1737786, 2492100, 30957963). Advanced modeling of protein sequence and biophysical properties (such as structural, functional, and spatial information, amino acid conservation, physicochemical variation, residue mobility, and thermodynamic stability) performed at Invitae indicates that this missense variant is expected to disrupt OAT protein function. ClinVar contains an entry for this variant (Variation ID: 153). This missense change has been observed in individual(s) with gyrate atrophy (PMID: 2492100, 11297489). This sequence change replaces arginine, which is basic and polar, with threonine, which is neutral and polar, at codon 180 of the OAT protein (p.Arg180Thr).

Baylor Genetics
Classification: Likely pathogenic for Ornithine aminotransferase deficiency. Last evaluated: 2023-02-12. Review status: criteria provided, single submitter. Criteria: ACMG Guidelines, 2015. Collection method: clinical testing. Allele origin: unknown.

OMIM
Classification: Pathogenic for GYRATE ATROPHY OF CHOROID AND RETINA. Last evaluated: 2018-02-01. Review status: no assertion criteria provided. Collection method: literature only. Allele origin: germline. Not counted in ClinVar's aggregate classification.

Literature cited by the submitters: PubMed 2492100 (cited by Natera, Inc. and Labcorp Genetics (formerly Invitae), Labcorp); PubMed 1609808 (cited by Natera, Inc.); PubMed 9727717 (cited by Natera, Inc.); PubMed 38847892 (cited by Natera, Inc.); PubMed 1737786 (cited by Natera, Inc. and Labcorp Genetics (formerly Invitae), Labcorp); PubMed 30957963 (cited by Labcorp Genetics (formerly Invitae), Labcorp); PubMed 11297489 (cited by Labcorp Genetics (formerly Invitae), Labcorp); PubMed 3170546 (cited by OMIM); Martin, L., Mitchell, G., Brody, L., Steel, G., Obie, C., Simell, O., Sipila, I., Valle, D. Molecular analysis of gyrate atrophy (GA) in Finns. (Abstract) Am. J. Hum. Genet. 45 (suppl.): A244-only, 1989. (cited by OMIM).

NM_000274.4(OAT):c.539G>C (p.Arg180Thr)

Gene: OAT (ornithine aminotransferase; minus strand). Cytogenetic location: 10q26.13.
Variant type: single nucleotide variant.
Coding change: c.539G>C on transcript NM_000274.4 (MANE Select); coding-DNA position 539, G replaced by C.
Protein change: p.Arg180Thr; replaces arginine 180 with threonine.
Molecular consequence: missense variant. On other transcripts: 5 prime UTR variant (1).
Genome position (GRCh38, 1-based): chr10:124,405,545, C>G on the plus strand (G>C on the coding strand, the complement: OAT is on the minus strand). VCF-style: chr10-124405545-C-G. GRCh37 (hg19) VCF-style: chr10-126094114-C-G.
Other names: c.125G>C, p.Arg42Thr (NM_001171814.2); c.539G>C, p.Arg180Thr (NM_001322965.2, NM_001322966.2, NM_001322967.2 and 3 more transcripts); c.218G>C, p.Arg73Thr (NM_001322971.2); c.-62G>C (NM_001322974.2); c.539G>C (NM_000274.3); short protein forms R180T, R42T, R73T.
Identifiers: ClinVar variation 153 (VCV000000153.12), dbSNP rs121965040, ClinGen allele CA113931.
Genomic context (GRCh38, chr10:124,405,545, plus strand): 5'-AATGGTCCAAAACCATCGTAACTGGTTGGGTCTGTGGAACTGGAGATAGCAGACAACGTC[C>G]TACCCCAGAAGTTCCCAGCTACAAAGGGGAAACAAACAGTGATTATTTCAAAGAAACCCA-3'
Protein context (NP_000265.1, residues 170-190): IVFAAGNFWG[Arg180Thr]TLSAISSSTD